The following is an entry in ClinVar:

NM_177438.3(DICER1):c.5528-5T>C

Gene: DICER1 (dicer 1, ribonuclease III; minus strand). Cytogenetic location: 14q32.13.
Variant type: single nucleotide variant.
Coding change: c.5528-5T>C on transcript NM_177438.3 (MANE Select); 5 bases into the intron before coding-DNA position 5528, T replaced by C.
Molecular consequence: intron variant.
Genome position (GRCh38, 1-based): chr14:95,091,114, A>G on the plus strand (T>C on the coding strand, the complement: DICER1 is on the minus strand). VCF-style: chr14-95091114-A-G. GRCh37 (hg19) VCF-style: chr14-95557451-A-G.
Other names: c.5528-5T>C (NM_177438.2, NM_001291628.2, NM_030621.4 and 1 more transcripts); c.5365-5T>C (NM_001195573.1).
Identifiers: ClinVar variation 1093803 (VCV001093803.11), dbSNP rs1388248804, ClinGen allele CA2499222788.

ClinVar aggregate classification (germline): Conflicting classifications of pathogenicity. Review status: criteria provided, conflicting classifications (1 of 4 stars). 2 submissions from 2 submitters: Uncertain significance (1); Likely benign (1). Last evaluated 2026-04-29.

Conditions:
DICER1-related tumor predisposition. Also called: DICER1 syndrome; DICER1-related pleuropulmonary blastoma cancer predisposition syndrome. Identifiers: Orphanet 284343, MedGen C3839822, MONDO:0100216.
Hereditary cancer-predisposing syndrome. Also called: Hereditary neoplastic syndrome; Neoplastic Syndromes, Hereditary; Tumor predisposition; Hereditary Cancer Syndrome. Identifiers: Orphanet 140162, MedGen C0027672, MeSH D009386, MONDO:0015356.

Allele frequency attached by ClinVar (database versions not stated): gnomAD exomes below 0.00001.
gnomAD v4.1: 2 of 1,614,142 alleles (0.00012%); highest among the groups gnomAD compares: Non-Finnish European, 0.00017%; no homozygotes.

Submissions (2):

Ambry Genetics
Classification: Uncertain significance for Hereditary cancer-predisposing syndrome. Last evaluated: 2026-04-29. Review status: criteria provided, single submitter. Criteria: Ambry Variant Classification Scheme 2023. Collection method: clinical testing. Allele origin: germline.
Comment: The c.5528-5T>C intronic variant results from a T to C substitution 5 nucleotides upstream from coding exon 25 in the DICER1 gene. This nucleotide position is not well conserved in available vertebrate species. In silico splice site analysis for this alteration is inconclusive. Based on the available evidence, the clinical significance of this variant remains unclear.

Labcorp Genetics (formerly Invitae), Labcorp
Classification: Likely benign for DICER1-related tumor predisposition. Last evaluated: 2019-11-28. Review status: criteria provided, single submitter. Criteria: Invitae Variant Classification Sherloc (09022015). Collection method: clinical testing. Allele origin: germline.